The following is an entry in ClinVar:

ClinVar aggregate classification (germline): Conflicting classifications of pathogenicity. Review status: criteria provided, conflicting classifications (1 of 4 stars). 4 submissions from 4 submitters: Uncertain significance (1); Likely benign (3). Last evaluated 2026-01-01.

Conditions:
Inborn genetic diseases. Identifiers: MedGen C0950123, MeSH D030342.

Allele frequency attached by ClinVar (database versions not stated): 1000 Genomes Project 30x 0.00156; 1000 Genomes Project 0.00160; TOPMed 0.00360; gnomAD 0.00394; ESP Exome Variant Server 0.00408.

Submissions (4):

CeGaT Center for Human Genetics Tuebingen
Classification: Likely benign. Last evaluated: 2026-01-01. Review status: criteria provided, single submitter. Criteria: CeGaT Center For Human Genetics Tuebingen Variant Classification Criteria Version 2. Collection method: clinical testing. Allele origin: germline. Affected: yes. Observed: 7 variant alleles.
Comment: FHOD3: BS2

Ambry Genetics
Classification: Uncertain significance for Inborn genetic diseases. Last evaluated: 2025-10-22. Review status: criteria provided, single submitter. Criteria: Ambry Variant Classification Scheme 2023. Collection method: clinical testing. Allele origin: germline.

Molecular Diagnostic Laboratory for Inherited Cardiovascular Disease, Montreal Heart Institute
Classification: Likely benign. Last evaluated: 2025-04-09. Review status: criteria provided, single submitter. Criteria: ACMG Guidelines, 2015. Collection method: clinical testing. Allele origin: germline. Affected: no.

Blueprint Genetics
Classification: Likely benign. Last evaluated: 2024-11-20. Review status: criteria provided, single submitter. Criteria: ACMG Guidelines, 2015. Collection method: clinical testing. Allele origin: germline.

NM_001281740.3(FHOD3):c.4649G>C (p.Gly1550Ala)

Gene: FHOD3 (formin homology 2 domain containing 3; plus strand). Cytogenetic location: 18q12.2.
Variant type: single nucleotide variant.
Coding change: c.4649G>C on transcript NM_001281740.3 (MANE Select); coding-DNA position 4649, G replaced by C.
Protein change: p.Gly1550Ala; replaces glycine 1550 with alanine.
Molecular consequence: missense variant.
Genome position (GRCh38, 1-based): chr18:36,769,289, G>C. VCF-style: chr18-36769289-G-C. GRCh37 (hg19) VCF-style: chr18-34349252-G-C.
Other names: c.4100G>C (NM_025135.2); c.4049G>C, p.Gly1350Ala (NM_001281739.3); c.4100G>C, p.Gly1367Ala (NM_025135.5); short protein forms G1350A, G1367A, G1550A.
Identifiers: ClinVar variation 2498739 (VCV002498739.30), dbSNP rs145954630, ClinGen allele CA8942437.